The following is an entry in ClinVar:

NM_001903.5(CTNNA1):c.931A>G (p.Ser311Gly)

Gene: CTNNA1 (catenin alpha 1; plus strand). Cytogenetic location: 5q31.2.
Variant type: single nucleotide variant.
Coding change: c.931A>G on transcript NM_001903.5 (MANE Select); coding-DNA position 931, A replaced by G.
Protein change: p.Ser311Gly; replaces serine 311 with glycine.
Molecular consequence: missense variant.
Genome position (GRCh38, 1-based): chr5:138,827,587, A>G. VCF-style: chr5-138827587-A-G. GRCh37 (hg19) VCF-style: chr5-138163276-A-G.
Other names: c.931A>G (NM_001903.2); c.931A>G, p.Ser311Gly (NM_001290307.3, NM_001323982.2, NM_001323983.1 and 3 more transcripts); c.622A>G, p.Ser208Gly (NM_001290309.3); c.562A>G, p.Ser188Gly (NM_001290310.3); short protein forms S311G, S188G, S208G.
Identifiers: ClinVar variation 656734 (VCV000656734.7), dbSNP rs1581178351, ClinGen allele CA361130877.

ClinVar aggregate classification (germline): Uncertain significance. Review status: criteria provided, multiple submitters, no conflicts (2 of 4 stars). 2 submissions from 2 submitters: Uncertain significance (2). Last evaluated 2024-03-27.

Conditions:
Hereditary cancer-predisposing syndrome. Also called: Hereditary neoplastic syndrome; Tumor predisposition; Neoplastic Syndromes, Hereditary; Hereditary Cancer Syndrome. Identifiers: Orphanet 140162, MedGen C0027672, MeSH D009386, MONDO:0015356.

Allele frequency attached by ClinVar (database versions not stated): gnomAD exomes below 0.00001.
gnomAD v4.1: 1 of 1,614,186 alleles (0.000062%); highest among the groups gnomAD compares: Non-Finnish European, 0.000085%; no homozygotes.

Submissions (2):

Labcorp Genetics (formerly Invitae), Labcorp
Classification: Uncertain significance. Last evaluated: 2024-03-27. Review status: criteria provided, single submitter. Criteria: Invitae Variant Classification Sherloc (09022015). Collection method: clinical testing. Allele origin: germline.
Comment: This sequence change replaces serine, which is neutral and polar, with glycine, which is neutral and non-polar, at codon 311 of the CTNNA1 protein (p.Ser311Gly). This variant is not present in population databases (gnomAD no frequency). This variant has not been reported in the literature in individuals affected with CTNNA1-related conditions. ClinVar contains an entry for this variant (Variation ID: 656734). Advanced modeling of protein sequence and biophysical properties (such as structural, functional, and spatial information, amino acid conservation, physicochemical variation, residue mobility, and thermodynamic stability) performed at Invitae indicates that this missense variant is not expected to disrupt CTNNA1 protein function with a negative predictive value of 80%. In summary, the available evidence is currently insufficient to determine the role of this variant in disease. Therefore, it has been classified as a Variant of Uncertain Significance.

Ambry Genetics
Classification: Uncertain significance for Hereditary cancer-predisposing syndrome. Last evaluated: 2024-01-18. Review status: criteria provided, single submitter. Criteria: Ambry Variant Classification Scheme 2023. Collection method: clinical testing. Allele origin: germline.
Comment: The p.S311G variant (also known as c.931A>G), located in coding exon 6 of the CTNNA1 gene, results from an A to G substitution at nucleotide position 931. The serine at codon 311 is replaced by glycine, an amino acid with similar properties. This amino acid position is highly conserved in available vertebrate species. In addition, the in silico prediction for this alteration is inconclusive. The evidence for this gene-disease relationship is limited; therefore, the clinical significance of this alteration is unclear.